The following is an entry in ClinVar:

NM_139057.4(ADAMTS17):c.2983C>T (p.Arg995Trp)

Gene: ADAMTS17 (ADAM metallopeptidase with thrombospondin type 1 motif 17; minus strand). Cytogenetic location: 15q26.3.
Variant type: single nucleotide variant.
Coding change: c.2983C>T on transcript NM_139057.4 (MANE Select); coding-DNA position 2983, C replaced by T.
Protein change: p.Arg995Trp; replaces arginine 995 with tryptophan.
Molecular consequence: missense variant.
Genome position (GRCh38, 1-based): chr15:99,976,189, G>A on the plus strand (C>T on the coding strand, the complement: ADAMTS17 is on the minus strand). VCF-style: chr15-99976189-G-A. GRCh37 (hg19) VCF-style: chr15-100516394-G-A.
Other names: short protein forms R995W.
Identifiers: ClinVar variation 3611281 (VCV003611281.2).

ClinVar aggregate classification (germline): Pathogenic (1 of 4 stars; one submission).

gnomAD v4.1: 7 of 1,548,928 alleles (0.00045%); highest among the groups gnomAD compares: Admixed American, 0.002%; no homozygotes.

Submission:

Labcorp Genetics (formerly Invitae), Labcorp
Classification: Pathogenic. Last evaluated: 2024-08-10. Review status: criteria provided, single submitter. Criteria: Invitae Variant Classification Sherloc (09022015). Collection method: clinical testing. Allele origin: germline.
Comment: This sequence change replaces arginine, which is basic and polar, with tryptophan, which is neutral and slightly polar, at codon 995 of the ADAMTS17 protein (p.Arg995Trp). This variant is not present in population databases (gnomAD no frequency). This missense change has been observed in individual(s) with Weill-Marchesani syndrome (PMID: 37206179). It has also been observed to segregate with disease in related individuals. An algorithm developed to predict the effect of missense changes on protein structure and function (PolyPhen-2) suggests that this variant is likely to be disruptive. For these reasons, this variant has been classified as Pathogenic.

Literature cited by the submitters: PubMed 37206179.